The following is an entry in ClinVar:

NM_006015.6(ARID1A):c.4403C>T (p.Pro1468Leu)

Gene: ARID1A (AT-rich interaction domain 1A; plus strand). Cytogenetic location: 1p36.11.
Variant type: single nucleotide variant.
Coding change: c.4403C>T on transcript NM_006015.6 (MANE Select); coding-DNA position 4403, C replaced by T.
Protein change: p.Pro1468Leu; replaces proline 1468 with leucine.
Molecular consequence: missense variant. On other transcripts: intron variant (1).
Genome position (GRCh38, 1-based): chr1:26,774,630, C>T. VCF-style: chr1-26774630-C-T. GRCh37 (hg19) VCF-style: chr1-27101121-C-T.
Other names: c.4102-350C>T (NM_139135.4); short protein forms P1468L.
Identifiers: ClinVar variation 2294103 (VCV002294103.3), dbSNP rs1266894856, ClinGen allele CA339175208.

ClinVar aggregate classification (germline): Uncertain significance. Review status: criteria provided, multiple submitters, no conflicts (2 of 4 stars). 2 submissions from 2 submitters: Uncertain significance (2). Last evaluated 2026-01-04.

Conditions:
Inborn genetic diseases. Identifiers: MedGen C0950123, MeSH D030342.

Allele frequency attached by ClinVar (database versions not stated): gnomAD exomes below 0.00001; TOPMed 0.00001; gnomAD 0.00002.
gnomAD v4.1: 12 of 1,614,120 alleles (0.00074%); highest among the groups gnomAD compares: Non-Finnish European, 0.00085%; no homozygotes.

Submissions (2):

Labcorp Genetics (formerly Invitae), Labcorp
Classification: Uncertain significance. Last evaluated: 2026-01-04. Review status: criteria provided, single submitter. Criteria: Invitae Variant Classification Sherloc (09022015). Collection method: clinical testing. Allele origin: germline.
Comment: This sequence change replaces proline, which is neutral and non-polar, with leucine, which is neutral and non-polar, at codon 1468 of the ARID1A protein (p.Pro1468Leu). This variant is not present in population databases (gnomAD no frequency). This variant has not been reported in the literature in individuals affected with ARID1A-related conditions. ClinVar contains an entry for this variant (Variation ID: 2294103). Invitae Evidence Modeling of protein sequence and biophysical properties (such as structural, functional, and spatial information, amino acid conservation, physicochemical variation, residue mobility, and thermodynamic stability) indicates that this missense variant is not expected to disrupt ARID1A protein function with a negative predictive value of 80%. In summary, the available evidence is currently insufficient to determine the role of this variant in disease. Therefore, it has been classified as a Variant of Uncertain Significance.

Ambry Genetics
Classification: Uncertain significance for Inborn genetic diseases. Last evaluated: 2022-06-06. Review status: criteria provided, single submitter. Criteria: Ambry Variant Classification Scheme 2023. Collection method: clinical testing. Allele origin: germline.